The following is an entry in ClinVar:

NM_001277115.2(DNAH11):c.1974-3C>T

Gene: DNAH11 (dynein axonemal heavy chain 11; plus strand). Cytogenetic location: 7p15.3.
Variant type: single nucleotide variant.
Coding change: c.1974-3C>T on transcript NM_001277115.2 (MANE Select); 3 bases into the intron before coding-DNA position 1974, C replaced by T.
Molecular consequence: intron variant.
Genome position (GRCh38, 1-based): chr7:21,589,205, C>T. VCF-style: chr7-21589205-C-T. GRCh37 (hg19) VCF-style: chr7-21628823-C-T.
Identifiers: ClinVar variation 1053326 (VCV001053326.8), dbSNP rs761630483, ClinGen allele CA4179190.

ClinVar aggregate classification (germline): Conflicting classifications of pathogenicity. Review status: criteria provided, conflicting classifications (1 of 4 stars). 2 submissions from 2 submitters: Likely pathogenic (1); Uncertain significance (1). Last evaluated 2025-06-25.

Conditions:
Primary ciliary dyskinesia. Also called: Ciliary dyskinesia. Identifiers: Orphanet 244, MedGen C0008780, MONDO:0016575, HP:0012265.
Respiratory ciliopathies including non-CF bronchiectasis.

Allele frequency attached by ClinVar (database versions not stated): gnomAD exomes below 0.00001 and 0.00004; ExAC 0.00001; gnomAD 0.00002; TOPMed 0.00002.
gnomAD v4.1: 66 of 1,588,582 alleles (0.0042%); highest among the groups gnomAD compares: Non-Finnish European, 0.0054%; no homozygotes.

Submissions (2):

Labcorp Genetics (formerly Invitae), Labcorp
Classification: Uncertain significance for Primary ciliary dyskinesia. Last evaluated: 2025-06-25. Review status: criteria provided, single submitter. Criteria: Invitae Variant Classification Sherloc (09022015). Collection method: clinical testing. Allele origin: germline.
Comment: This sequence change falls in intron 11 of the DNAH11 gene. It does not directly change the encoded amino acid sequence of the DNAH11 protein. It affects a nucleotide within the consensus splice site. This variant is present in population databases (rs761630483, gnomAD 0.004%). This variant has not been reported in the literature in individuals affected with DNAH11-related conditions. ClinVar contains an entry for this variant (Variation ID: 1053326). Variants that disrupt the consensus splice site are a relatively common cause of aberrant splicing (PMID: 17576681, 9536098). Algorithms developed to predict the effect of sequence changes on RNA splicing suggest that this variant may disrupt the consensus splice site. In summary, the available evidence is currently insufficient to determine the role of this variant in disease. Therefore, it has been classified as a Variant of Uncertain Significance.

NHS Central & South Genomic Laboratory Hub
Classification: Likely pathogenic for Respiratory ciliopathies including non-CF bronchiectasis. Last evaluated: 2025-06-05. Review status: criteria provided, single submitter. Criteria: ACMG Guidelines, 2015. Collection method: clinical testing. Allele origin: germline. Affected: yes.

Literature cited by the submitters: PubMed 17576681 (cited by Labcorp Genetics (formerly Invitae), Labcorp); PubMed 9536098 (cited by Labcorp Genetics (formerly Invitae), Labcorp).